The following is an entry in ClinVar:

ClinVar aggregate classification (germline): Uncertain significance (1 of 4 stars; one submission).

Conditions:
Charcot-Marie-Tooth disease axonal type 2O. Also called: Charcot-Marie-Tooth disease, axonal, type 20; CHARCOT-MARIE-TOOTH NEUROPATHY, AXONAL, TYPE 2O; CHARCOT-MARIE-TOOTH DISEASE, AXONAL, AUTOSOMAL DOMINANT, TYPE 2O; Charcot-Marie-Tooth Neuropathy Type 2O. Identifiers: Orphanet 284232, MedGen C3280220, MONDO:0013644, OMIM 614228.

Submission:

Labcorp Genetics (formerly Invitae), Labcorp
Classification: Uncertain significance for Charcot-Marie-Tooth disease axonal type 2O. Last evaluated: 2022-09-12. Review status: criteria provided, single submitter. Criteria: Invitae Variant Classification Sherloc (09022015). Collection method: clinical testing. Allele origin: germline.
Comment: This sequence change replaces threonine, which is neutral and polar, with serine, which is neutral and polar, at codon 1851 of the DYNC1H1 protein (p.Thr1851Ser). This variant is not present in population databases (gnomAD no frequency). This variant has not been reported in the literature in individuals affected with DYNC1H1-related conditions. Advanced modeling of protein sequence and biophysical properties (such as structural, functional, and spatial information, amino acid conservation, physicochemical variation, residue mobility, and thermodynamic stability) performed at Invitae indicates that this missense variant is not expected to disrupt DYNC1H1 protein function. In summary, the available evidence is currently insufficient to determine the role of this variant in disease. Therefore, it has been classified as a Variant of Uncertain Significance.

NM_001376.5(DYNC1H1):c.5551A>T (p.Thr1851Ser)

Gene: DYNC1H1 (dynein cytoplasmic 1 heavy chain 1; plus strand). Cytogenetic location: 14q32.31.
Variant type: single nucleotide variant.
Coding change: c.5551A>T on transcript NM_001376.5 (MANE Select); coding-DNA position 5551, A replaced by T.
Protein change: p.Thr1851Ser; replaces threonine 1851 with serine.
Molecular consequence: missense variant.
Genome position (GRCh38, 1-based): chr14:102,006,005, A>T. VCF-style: chr14-102006005-A-T. GRCh37 (hg19) VCF-style: chr14-102472342-A-T.
Other names: short protein forms T1851S.
Identifiers: ClinVar variation 1715910 (VCV001715910.5), dbSNP rs2503741906, ClinGen allele CA391048429.